The following is an entry in ClinVar:

NM_001005242.3(PKP2):c.1856C>A (p.Pro619Gln)

Gene: PKP2 (plakophilin 2; minus strand). Cytogenetic location: 12p11.21.
Variant type: single nucleotide variant.
Coding change: c.1856C>A on transcript NM_001005242.3 (MANE Select); coding-DNA position 1856, C replaced by A.
Protein change: p.Pro619Gln; replaces proline 619 with glutamine.
Molecular consequence: missense variant.
Genome position (GRCh38, 1-based): chr12:32,821,513, G>T on the plus strand (C>A on the coding strand, the complement: PKP2 is on the minus strand). VCF-style: chr12-32821513-G-T. GRCh37 (hg19) VCF-style: chr12-32974447-G-T.
Other names: c.1856C>A, p.Pro619Gln (NM_001407155.1, NM_001407161.1); c.1691C>A, p.Pro564Gln (NM_001407156.1); c.1988C>A, p.Pro663Gln (NM_001407157.1, NM_004572.4); c.1529C>A, p.Pro510Gln (NM_001407158.1, NM_001407159.1, NM_001407160.1 and 1 more transcripts); short protein forms P564Q, P663Q, P510Q, P619Q.
Identifiers: ClinVar variation 2725036 (VCV002725036.6), dbSNP rs1056066633, ClinGen allele CA235238150.

ClinVar aggregate classification (germline): Uncertain significance. Review status: criteria provided, multiple submitters, no conflicts (2 of 4 stars). 4 submissions from 4 submitters: Uncertain significance (4). Last evaluated 2025-10-07.

Conditions:
Cardiomyopathy (CMYO). Also called: Cardiomyopathies. Identifiers: Orphanet 167848, MedGen C0878544, MONDO:0004994, HP:0001638. Inheritance: Various modes of inheritance.
Arrhythmogenic right ventricular cardiomyopathy (ARVD). Also called: Arrhythmogenic Right Ventricular Cardiomyopathy (ARVC); Arrhythmogenic cardiomyopathy; Cardiomyopathy, ARVC; Arrhythmogenic right ventricular dysplasia. Identifiers: Orphanet 247, MedGen C0349788, MeSH D019571, MONDO:0016587. Disease mechanism: loss of function. Inheritance: Various modes of inheritance.
Arrhythmogenic right ventricular dysplasia 9 (ARVD9). Also called: ARRHYTHMOGENIC RIGHT VENTRICULAR DYSPLASIA, FAMILIAL, 9; Arrhythmogenic Right Ventricular Dysplasia/Cardiomyopathy 9. Identifiers: MedGen C1836906, MONDO:0012180, OMIM 609040.

gnomAD v4.1: 2 of 1,613,796 alleles (0.00012%); no homozygotes.

Submissions (4):

Labcorp Genetics (formerly Invitae), Labcorp
Classification: Uncertain significance for Arrhythmogenic right ventricular dysplasia 9. Last evaluated: 2025-10-07. Review status: criteria provided, single submitter. Criteria: Invitae Variant Classification Sherloc (09022015). Collection method: clinical testing. Allele origin: germline.
Comment: This sequence change replaces proline, which is neutral and non-polar, with glutamine, which is neutral and polar, at codon 663 of the PKP2 protein (p.Pro663Gln). This variant is not present in population databases (gnomAD no frequency). This variant has not been reported in the literature in individuals affected with PKP2-related conditions. ClinVar contains an entry for this variant (Variation ID: 2725036). An algorithm developed to predict the effect of missense changes on protein structure and function (PolyPhen-2) suggests that this variant is likely to be disruptive. In summary, the available evidence is currently insufficient to determine the role of this variant in disease. Therefore, it has been classified as a Variant of Uncertain Significance.

All of Us Research Program, National Institutes of Health
Classification: Uncertain significance for Arrhythmogenic right ventricular cardiomyopathy. Last evaluated: 2023-08-23. Review status: criteria provided, single submitter. Criteria: ACMG Guidelines, 2015. Collection method: clinical testing. Allele origin: germline. Inheritance: Autosomal dominant inheritance. Observed: 1 variant allele, 1 heterozygote.
Comment: This missense variant replaces proline with glutamine at codon 663 of the PKP2 protein. Computational prediction suggests that this variant may not impact protein structure and function (internally defined REVEL score threshold <= 0.5, PMID: 27666373). To our knowledge, functional studies have not been reported for this variant. This variant has not been reported in individuals affected with PKP2-related disorders in the literature. This variant has not been identified in the general population by the Genome Aggregation Database (gnomAD). The available evidence is insufficient to determine the role of this variant in disease conclusively. Therefore, this variant is classified as a Variant of Uncertain Significance.

This study involves interpretation of variants in research participants for the purpose of population health screening. Participant phenotype was not available at the time of variant classification. Additional details can be found in publication PMID: 35346344, PMCID: PMC8962531

Color Diagnostics, LLC DBA Color Health
Classification: Uncertain significance for Cardiomyopathy. Last evaluated: 2023-08-10. Review status: criteria provided, single submitter. Criteria: ACMG Guidelines, 2015. Collection method: clinical testing. Allele origin: germline.
Comment: This missense variant replaces proline with glutamine at codon 663 of the PKP2 protein. Computational prediction suggests that this variant may not impact protein structure and function. To our knowledge, functional studies have not been reported for this variant. This variant has not been reported in individuals affected with PKP2-related disorders in the literature. This variant has not been identified in the general population by the Genome Aggregation Database (gnomAD). The available evidence is insufficient to determine the role of this variant in disease conclusively. Therefore, this variant is classified as a Variant of Uncertain Significance.

Blueprint Genetics
Classification: Uncertain significance. Last evaluated: 2023-02-23. Review status: criteria provided, single submitter. Criteria: ACMG Guidelines, 2015. Collection method: clinical testing. Allele origin: germline.